The following is an entry in ClinVar:

NM_003922.4(HERC1):c.3430A>G (p.Thr1144Ala)

Gene: HERC1 (HECT and RLD domain containing E3 ubiquitin protein ligase family member 1; minus strand). Cytogenetic location: 15q22.31.
Variant type: single nucleotide variant.
Coding change: c.3430A>G on transcript NM_003922.4 (MANE Select); coding-DNA position 3430, A replaced by G.
Protein change: p.Thr1144Ala; replaces threonine 1144 with alanine.
Molecular consequence: missense variant.
Genome position (GRCh38, 1-based): chr15:63,725,430, T>C on the plus strand (A>G on the coding strand, the complement: HERC1 is on the minus strand). VCF-style: chr15-63725430-T-C. GRCh37 (hg19) VCF-style: chr15-64017629-T-C.
Other names: short protein forms T1144A.
Identifiers: ClinVar variation 1351141 (VCV001351141.8), dbSNP rs2074000664, ClinGen allele CA392757510.

ClinVar aggregate classification (germline): Uncertain significance (1 of 4 stars; one submission).

Allele frequency attached by ClinVar (database versions not stated): gnomAD exomes below 0.00001.
gnomAD v4.1: 1 of 1,613,796 alleles (0.000062%); highest among the groups gnomAD compares: Non-Finnish European, 0.000085%; no homozygotes.

Submission:

Labcorp Genetics (formerly Invitae), Labcorp
Classification: Uncertain significance. Last evaluated: 2021-05-04. Review status: criteria provided, single submitter. Criteria: Invitae Variant Classification Sherloc (09022015). Collection method: clinical testing. Allele origin: germline.
Comment: In summary, the available evidence is currently insufficient to determine the role of this variant in disease. Therefore, it has been classified as a Variant of Uncertain Significance. Algorithms developed to predict the effect of missense changes on protein structure and function (SIFT, PolyPhen-2, Align-GVGD) all suggest that this variant is likely to be tolerated, but these predictions have not been confirmed by published functional studies and their clinical significance is uncertain. This variant has not been reported in the literature in individuals with HERC1-related conditions. This variant is not present in population databases (ExAC no frequency). This sequence change replaces threonine with alanine at codon 1144 of the HERC1 protein (p.Thr1144Ala). The threonine residue is highly conserved and there is a small physicochemical difference between threonine and alanine.